The following is an entry in ClinVar:

NM_001270974.2(HYDIN):c.6398T>C (p.Met2133Thr)

Gene: HYDIN (HYDIN axonemal central pair apparatus protein; minus strand). Cytogenetic location: 16q22.2.
Variant type: single nucleotide variant.
Coding change: c.6398T>C on transcript NM_001270974.2 (MANE Select); coding-DNA position 6398, T replaced by C.
Protein change: p.Met2133Thr; replaces methionine 2133 with threonine.
Molecular consequence: missense variant.
Genome position (GRCh38, 1-based): chr16:70,952,554, A>G on the plus strand (T>C on the coding strand, the complement: HYDIN is on the minus strand). VCF-style: chr16-70952554-A-G. GRCh37 (hg19) VCF-style: chr16-70986457-A-G.
Other names: short protein forms M2133T.
Identifiers: ClinVar variation 2646759 (VCV002646759.24), dbSNP rs200210106, ClinGen allele CA283521225.

ClinVar aggregate classification (germline): Uncertain significance (1 of 4 stars; one submission).

Submission:

CeGaT Center for Human Genetics Tuebingen
Classification: Uncertain significance. Last evaluated: 2023-09-01. Review status: criteria provided, single submitter. Criteria: CeGaT Center For Human Genetics Tuebingen Variant Classification Criteria Version 2. Collection method: clinical testing. Allele origin: germline. Affected: yes. Observed: 1 variant allele.
Comment: HYDIN: PM2, BP4